The following is an entry in ClinVar:

ClinVar aggregate classification (germline): Likely benign (1 of 4 stars; one submission).

Conditions:
MHC class II deficiency. Also called: Bare lymphocyte syndrome 2; BLS, TYPE II. Identifiers: Orphanet 572, MedGen C5447452, MONDO:0008855.

Allele frequency attached by ClinVar (database versions not stated): gnomAD 0.00549 and 0.00565; 1000 Genomes Project 30x 0.00344; 1000 Genomes Project 0.00359; TOPMed 0.00501; gnomAD exomes 0.00559.
gnomAD v4.1: 842 of 153,018 alleles (0.55%); highest among the groups gnomAD compares: Non-Finnish European, 0.84%; 5 homozygotes.

Submission:

Illumina Laboratory Services, Illumina
Classification: Likely benign for MHC class II deficiency 1. Last evaluated: 2018-01-13. Review status: criteria provided, single submitter. Criteria: ICSL Variant Classification Criteria 13 December 2019. Collection method: clinical testing. Allele origin: germline.
Comment: This variant was observed in the ICSL laboratory as part of a predisposition screen in an ostensibly healthy population. It had not been previously curated by ICSL or reported in the Human Gene Mutation Database (HGMD: prior to June 1st, 2018), and was therefore a candidate for classification through an automated scoring system. Utilizing variant allele frequency, disease prevalence and penetrance estimates, and inheritance mode, an automated score was calculated to assess if this variant is too frequent to cause the disease. Based on the score and internal cut-off values, a variant classified as likely benign is not then subjected to further curation. The score for this variant resulted in a classification of likely benign for this disease.

NM_000246.4(CIITA):c.*157C>T

Gene: CIITA (class II major histocompatibility complex transactivator; plus strand). Cytogenetic location: 16p13.13.
Variant type: single nucleotide variant.
Coding change: c.*157C>T on transcript NM_000246.4 (MANE Select); 157 bases downstream of the stop codon, C replaced by T.
Molecular consequence: 3 prime UTR variant. On other transcripts: non-coding transcript variant (1), intron variant (5).
Genome position (GRCh38, 1-based): chr16:10,924,012, C>T. VCF-style: chr16-10924012-C-T. GRCh37 (hg19) VCF-style: chr16-11017869-C-T.
Other names: c.*157C>T (NM_001286402.1, NM_001286403.2); c.*22+687C>T (NM_001379332.1, NM_001379330.1, NM_001379333.1 and 2 more transcripts).
Identifiers: ClinVar variation 317730 (VCV000317730.5), dbSNP rs45526038, ClinGen allele CA10636961.